The following is an entry in ClinVar:

ClinVar aggregate classification (germline): Uncertain significance (1 of 4 stars; one submission).

Conditions:
Neurofibromatosis, type 1 (NF1). Also called: Peripheral type neurofibromatosis; Neurofibromatosis, type I; VON RECKLINGHAUSEN DISEASE; NEUROFIBROMATOSIS, TYPE I, SOMATIC. Identifiers: Orphanet 636, MedGen C0027831, MONDO:0018975, OMIM 162200. Disease mechanism: loss of function.

Submission:

Labcorp Genetics (formerly Invitae), Labcorp
Classification: Uncertain significance for Neurofibromatosis, type 1. Last evaluated: 2019-03-28. Review status: criteria provided, single submitter. Criteria: Invitae Variant Classification Sherloc (09022015). Collection method: clinical testing. Allele origin: germline.
Comment: This sequence change replaces isoleucine with valine at codon 791 of the NF1 protein (p.Ile791Val). The isoleucine residue is moderately conserved and there is a small physicochemical difference between isoleucine and valine. This variant is not present in population databases (ExAC no frequency). This variant has not been reported in the literature in individuals with NF1-related conditions. Algorithms developed to predict the effect of missense changes on protein structure and function are either unavailable or do not agree on the potential impact of this missense change (SIFT: "Tolerated"; PolyPhen-2: "Possibly Damaging"; Align-GVGD: "Class C0"). In summary, the available evidence is currently insufficient to determine the role of this variant in disease. Therefore, it has been classified as a Variant of Uncertain Significance.

NM_001042492.3(NF1):c.2371A>G (p.Ile791Val)

Gene: NF1 (neurofibromin 1; plus strand). Cytogenetic location: 17q11.2.
Variant type: single nucleotide variant.
Coding change: c.2371A>G on transcript NM_001042492.3 (MANE Select); coding-DNA position 2371, A replaced by G.
Protein change: p.Ile791Val; replaces isoleucine 791 with valine.
Molecular consequence: missense variant.
Genome position (GRCh38, 1-based): chr17:31,227,568, A>G. VCF-style: chr17-31227568-A-G. GRCh37 (hg19) VCF-style: chr17-29554586-A-G.
Other names: c.2371A>G, p.Ile791Val (NM_000267.4); short protein forms I791V.
Identifiers: ClinVar variation 946221 (VCV000946221.6), dbSNP rs2067038542, ClinGen allele CA398983182.